The following is an entry in ClinVar:

ClinVar aggregate classification (germline): Uncertain significance. Review status: criteria provided, multiple submitters, no conflicts (2 of 4 stars). 2 submissions from 2 submitters: Uncertain significance (2). Last evaluated 2025-12-24.

Conditions:
Tuberous sclerosis 2 (TSC2). Identifiers: Orphanet 805, MedGen C1860707, MONDO:0013199, OMIM 613254.

Submissions (2):

Labcorp Genetics (formerly Invitae), Labcorp
Classification: Uncertain significance for Tuberous sclerosis 2. Last evaluated: 2025-12-24. Review status: criteria provided, single submitter. Criteria: Invitae Variant Classification Sherloc (09022015). Collection method: clinical testing. Allele origin: germline.
Comment: This sequence change replaces lysine, which is basic and polar, with glutamic acid, which is acidic and polar, at codon 1701 of the TSC2 protein (p.Lys1701Glu). This variant is not present in population databases (gnomAD no frequency). This variant has not been reported in the literature in individuals affected with TSC2-related conditions. ClinVar contains an entry for this variant (Variation ID: 1697184). Invitae Evidence Modeling of protein sequence and biophysical properties (such as structural, functional, and spatial information, amino acid conservation, physicochemical variation, residue mobility, and thermodynamic stability) indicates that this missense variant is not expected to disrupt TSC2 protein function with a negative predictive value of 95%. In summary, the available evidence is currently insufficient to determine the role of this variant in disease. Therefore, it has been classified as a Variant of Uncertain Significance.

GeneDx
Classification: Uncertain significance. Last evaluated: 2022-01-18. Review status: criteria provided, single submitter. Criteria: GeneDx Variant Classification Process June 2021. Collection method: clinical testing. Allele origin: germline. Affected: yes.
Comment: Not observed at significant frequency in large population cohorts (gnomAD); In silico analysis supports that this missense variant has a deleterious effect on protein structure/function; Has not been previously published as pathogenic or benign to our knowledge

NM_000548.5(TSC2):c.5101A>G (p.Lys1701Glu)

Gene: TSC2 (TSC complex subunit 2; plus strand). Cytogenetic location: 16p13.3.
Variant type: single nucleotide variant.
Coding change: c.5101A>G on transcript NM_000548.5 (MANE Select); coding-DNA position 5101, A replaced by G.
Protein change: p.Lys1701Glu; replaces lysine 1701 with glutamic acid.
Molecular consequence: missense variant.
Genome position (GRCh38, 1-based): chr16:2,088,080, A>G. VCF-style: chr16-2088080-A-G. GRCh37 (hg19) VCF-style: chr16-2138081-A-G.
Other names: c.4933A>G, p.Lys1645Glu (NM_001318832.2); c.4903A>G, p.Lys1635Glu (NM_001363528.2); c.4969A>G, p.Lys1657Glu (NM_001370404.1); c.4972A>G, p.Lys1658Glu (NM_001370405.1, NM_021055.3); c.4900A>G, p.Lys1634Glu (NM_001077183.3); c.5032A>G, p.Lys1678Glu (NM_001114382.3); c.4792A>G, p.Lys1598Glu (NM_001318827.2); c.4756A>G, p.Lys1586Glu (NM_001318829.2); and 1 more; short protein forms K1457E, K1586E, K1598E, K1634E, K1635E, K1645E, K1657E, K1658E.
Identifiers: ClinVar variation 1697184 (VCV001697184.7), dbSNP rs2151620842, ClinGen allele CA394312189.